The following is an entry in ClinVar:

NM_000368.5(TSC1):c.1775C>T (p.Thr592Met)

Gene: TSC1 (TSC complex subunit 1; minus strand). Cytogenetic location: 9q34.13.
Variant type: single nucleotide variant.
Coding change: c.1775C>T on transcript NM_000368.5 (MANE Select); coding-DNA position 1775, C replaced by T.
Protein change: p.Thr592Met; replaces threonine 592 with methionine.
Molecular consequence: missense variant.
Genome position (GRCh38, 1-based): chr9:132,905,803, G>A on the plus strand (C>T on the coding strand, the complement: TSC1 is on the minus strand). VCF-style: chr9-132905803-G-A. GRCh37 (hg19) VCF-style: chr9-135781190-G-A.
Other names: p.T592M:ACG>ATG; c.1772C>T, p.Thr591Met (NM_001162426.2); c.1622C>T, p.Thr541Met (NM_001162427.2); c.1412C>T, p.Thr471Met (NM_001362177.2); short protein forms T592M, T541M, T591M, T471M.
Identifiers: ClinVar variation 207610 (VCV000207610.31), dbSNP rs775869914, ClinGen allele CA029749.

ClinVar aggregate classification (germline): Conflicting classifications of pathogenicity. Review status: criteria provided, conflicting classifications (1 of 4 stars). 10 submissions from 10 submitters: Uncertain significance (2); Likely benign (8). Last evaluated 2026-01-16.

Conditions:
TSC1-related disorder. Also called: TSC1-related condition.
Hereditary cancer-predisposing syndrome. Also called: Hereditary Cancer Syndrome; Neoplastic Syndromes, Hereditary; Tumor predisposition; Hereditary neoplastic syndrome. Identifiers: Orphanet 140162, MedGen C0027672, MeSH D009386, MONDO:0015356.
Tuberous sclerosis syndrome (TSC). Also called: Tuberous sclerosis; Tuberous Sclerosis Complex. Identifiers: Orphanet 805, MedGen C0041341, MONDO:0001734.
Tuberous sclerosis 1 (TSC1). Identifiers: Orphanet 805, MedGen C1854465, MONDO:0008612, OMIM 191100.

Allele frequency attached by ClinVar (database versions not stated): gnomAD 0.00001; gnomAD exomes 0.00001 and 0.00004; TOPMed 0.00002; ExAC 0.00004.
gnomAD v4.1: 24 of 1,614,044 alleles (0.0015%); highest among the groups gnomAD compares: Admixed American, 0.017%; no homozygotes.

Submissions (10):

Labcorp Genetics (formerly Invitae), Labcorp
Classification: Likely benign for Tuberous sclerosis 1. Last evaluated: 2026-01-16. Review status: criteria provided, single submitter. Criteria: Invitae Variant Classification Sherloc (09022015). Collection method: clinical testing. Allele origin: germline.

PreventionGenetics, part of Exact Sciences
Classification: Likely benign for TSC1-related condition. Last evaluated: 2025-04-09. Review status: criteria provided, single submitter. Criteria: ACMG Guidelines, 2015. Collection method: clinical testing. Allele origin: germline.
Comment: This variant is classified as likely benign based on ACMG/AMP sequence variant interpretation guidelines (Richards et al. 2015 PMID: 25741868, with internal and published modifications).

Women's Health and Genetics/Laboratory Corporation of America, LabCorp
Classification: Likely benign. Last evaluated: 2024-09-04. Review status: criteria provided, single submitter. Criteria: LabCorp Variant Classification Summary - May 2015. Collection method: clinical testing. Allele origin: germline.
Comment: Variant summary: TSC1 c.1775C>T (p.Thr592Met) results in a non-conservative amino acid change in the encoded protein sequence. Four of five in-silico tools predict a benign effect of the variant on protein function. The variant allele was found at a frequency of 4e-05 in 251050 control chromosomes. The observed variant frequency is approximately 1.59 fold of the estimated maximal expected allele frequency for a pathogenic variant in TSC1 causing Tuberous Sclerosis Complex phenotype (2.5e-05). To our knowledge, no occurrence of c.1775C>T in individuals affected with Tuberous Sclerosis Complex and no experimental evidence demonstrating its impact on protein function have been reported. ClinVar contains an entry for this variant (Variation ID: 207610). Based on the evidence outlined above, the variant was classified as likely benign.

Color Diagnostics, LLC DBA Color Health
Classification: Uncertain significance for Tuberous sclerosis syndrome. Last evaluated: 2023-11-22. Review status: criteria provided, single submitter. Criteria: ACMG Guidelines, 2015. Collection method: clinical testing. Allele origin: germline.
Comment: This missense variant replaces threonine with methionine at codon 592 of the TSC1 protein. Computational prediction suggests that this variant may not impact protein structure and function. To our knowledge, functional studies have not been reported for this variant. This variant has not been reported in individuals affected with TSC1-related disorders in the literature. This variant has been identified in 12/282450 chromosomes in the general population by the Genome Aggregation Database (gnomAD). The available evidence is insufficient to determine the role of this variant in disease conclusively. Therefore, this variant is classified as a Variant of Uncertain Significance.

Quest Diagnostics Nichols Institute San Juan Capistrano
Classification: Likely benign. Last evaluated: 2022-11-03. Review status: criteria provided, single submitter. Criteria: Quest Diagnostics criteria. Collection method: clinical testing. Allele origin: unknown.
Comment: The frequency of this variant in the general population is higher than would generally be expected for pathogenic variants in this gene. Computational tools predict this amino acid change may be benign.

Blueprint Genetics
Classification: Likely benign. Last evaluated: 2022-03-08. Review status: criteria provided, single submitter. Criteria: ACMG Guidelines, 2015. Collection method: clinical testing. Allele origin: germline.

Genome-Nilou Lab
Classification: Likely benign for Tuberous sclerosis 1. Last evaluated: 2021-11-07. Review status: criteria provided, single submitter. Criteria: ACMG Guidelines, 2015. Collection method: clinical testing. Allele origin: germline. Affected: no.

GeneDx
Classification: Likely benign. Last evaluated: 2019-01-08. Review status: criteria provided, single submitter. Criteria: GeneDx Variant Classification Process June 2021. Collection method: clinical testing. Allele origin: germline. Affected: yes.

Ambry Genetics
Classification: Likely benign for Hereditary cancer-predisposing syndrome. Last evaluated: 2018-10-03. Review status: criteria provided, single submitter. Criteria: Ambry Variant Classification Scheme 2023. Collection method: clinical testing. Allele origin: germline.

Eurofins Ntd Llc (ga)
Classification: Uncertain significance. Last evaluated: 2016-06-10. Review status: criteria provided, single submitter. Criteria: EGL Classification Definitions 2015. Collection method: clinical testing. Allele origin: germline. Observed: 1 variant allele, 1 heterozygote.